The following is an entry in ClinVar:

ClinVar aggregate classification (germline): Pathogenic (1 of 4 stars; one submission).

Conditions:
Hereditary cancer-predisposing syndrome. Also called: Neoplastic Syndromes, Hereditary; Tumor predisposition; Hereditary neoplastic syndrome; Hereditary Cancer Syndrome. Identifiers: Orphanet 140162, MedGen C0027672, MeSH D009386, MONDO:0015356.

Submission:

Ambry Genetics
Classification: Pathogenic for Hereditary cancer-predisposing syndrome. Last evaluated: 2024-07-19. Review status: criteria provided, single submitter. Criteria: Ambry Variant Classification Scheme 2023. Collection method: clinical testing. Allele origin: germline.
Comment: The c.471_473delTACinsAA pathogenic mutation, located in coding exon 6 of the MUTYH gene, results from the deletion of 3 nucleotides and insertion of two nucleotides causing a translational frameshift with a predicted alternate stop codon (p.T158Nfs*13). This alteration is expected to result in loss of function by premature protein truncation or nonsense-mediated mRNA decay. As such, this alteration is interpreted as a disease-causing mutation.

NM_001048174.2(MUTYH):c.387_389delinsAA (p.Thr130fs)

Gene: MUTYH (mutY DNA glycosylase; minus strand). Cytogenetic location: 1p34.1.
Variant type: Indel.
Coding change: c.387_389delinsAA on transcript NM_001048174.2 (MANE Select); coding-DNA positions 387 to 389, TAC replaced by AA.
Protein change: p.Thr130fs; shifts the reading frame from threonine 130.
Molecular consequence: frameshift variant. On other transcripts: non-coding transcript variant (2).
Genome position (GRCh38, 1-based): chr1:45,332,949-45,332,951, GTA replaced by TT on the plus strand (TAC replaced by AA on the coding strand, the reverse complement: MUTYH is on the minus strand). VCF-style: chr1-45332949-GTA-TT. GRCh37 (hg19) VCF-style: chr1-45798621-GTA-TT.
Other names: c.471_473delinsAA, p.Thr158fs (NM_001128425.2); c.432_434delinsAA, p.Thr145fs (NM_001293190.2); c.420_422delinsAA, p.Thr141fs (NM_001293191.2); c.111_113delinsAA, p.Thr38fs (NM_001293192.2, NM_001293196.2); c.387_389delinsAA, p.Thr130fs (NM_001293195.2, NM_001048171.2, NM_001048173.2); c.42_44delinsAA, p.Thr15fs (NM_001350650.2, NM_001350651.2); c.462_464delinsAA, p.Thr155fs (NM_012222.3); c.390_392delinsAA, p.Thr131fs (NM_001048172.2); short protein forms T38fs, T130fs, T131fs, T141fs, T158fs, T15fs, T145fs, T155fs.
Identifiers: ClinVar variation 825116 (VCV000825116.5), dbSNP rs1570428456, ClinGen allele CA915941277.